The following is an entry in ClinVar:

ClinVar aggregate classification (germline): Uncertain significance. Review status: criteria provided, multiple submitters, no conflicts (2 of 4 stars). 2 submissions from 2 submitters: Uncertain significance (2). Last evaluated 2026-06-05.

Conditions:
TBX3-related disorder. Also called: TBX3-related condition.
Ulnar-mammary syndrome (UMS). Also called: SCHINZEL SYNDROME; PALLISTER ULNAR-MAMMARY SYNDROME; Ulnar-mammary syndrome of Pallister. Identifiers: Orphanet 3138, MedGen C1866994, MONDO:0008411, OMIM 181450.

Allele frequency attached by ClinVar (database versions not stated): ExAC 0.00001; gnomAD exomes 0.00001; TOPMed 0.00002.
gnomAD v4.1: 10 of 1,614,154 alleles (0.00062%); highest among the groups gnomAD compares: Admixed American, 0.0083%; no homozygotes.

Submissions (2):

PreventionGenetics, part of Exact Sciences
Classification: Uncertain significance for TBX3-related condition. Last evaluated: 2026-06-05. Review status: criteria provided, single submitter. Criteria: ACMG Guidelines, 2015. Collection method: clinical testing. Allele origin: germline.
Comment: The TBX3 c.230C>G variant is predicted to result in the amino acid substitution p.Pro77Arg. To our knowledge, this variant has not been reported in the literature. This variant is reported in 0.012% of alleles in individuals of Latino descent in gnomAD. Although we suspect that this variant may be benign, at this time, the clinical significance of this variant is uncertain due to the absence of conclusive functional and genetic evidence.

Labcorp Genetics (formerly Invitae), Labcorp
Classification: Uncertain significance for Ulnar-mammary syndrome. Last evaluated: 2024-09-06. Review status: criteria provided, single submitter. Criteria: Invitae Variant Classification Sherloc (09022015). Collection method: clinical testing. Allele origin: germline.
Comment: This sequence change replaces proline, which is neutral and non-polar, with arginine, which is basic and polar, at codon 77 of the TBX3 protein (p.Pro77Arg). This variant is present in population databases (rs770004469, gnomAD 0.009%). This variant has not been reported in the literature in individuals affected with TBX3-related conditions. ClinVar contains an entry for this variant (Variation ID: 2149513). An algorithm developed to predict the effect of missense changes on protein structure and function (PolyPhen-2) suggests that this variant is likely to be disruptive. In summary, the available evidence is currently insufficient to determine the role of this variant in disease. Therefore, it has been classified as a Variant of Uncertain Significance.

NM_005996.4(TBX3):c.230C>G (p.Pro77Arg)

Genes: TBX3 (T-box transcription factor 3; minus strand), TBX3-AS1 (TBX3 antisense RNA 1; plus strand). Cytogenetic location: 12q24.21.
Variant type: single nucleotide variant.
Coding change: c.230C>G on transcript NM_005996.4 (MANE Select); coding-DNA position 230, C replaced by G.
Protein change: p.Pro77Arg; replaces proline 77 with arginine.
Molecular consequence: missense variant.
Genome position (GRCh38, 1-based): chr12:114,682,971, G>C on the plus strand (C>G on the coding strand, the complement: TBX3 is on the minus strand). VCF-style: chr12-114682971-G-C. GRCh37 (hg19) VCF-style: chr12-115120776-G-C.
Other names: c.230C>G, p.Pro77Arg (NM_016569.4); c.230C>G (NM_016569.3); short protein forms P77R.
Identifiers: ClinVar variation 2149513 (VCV002149513.5), dbSNP rs770004469, ClinGen allele CA6810244.